The following is an entry in ClinVar:

NM_000540.3(RYR1):c.10291G>A (p.Ala3431Thr)

Gene: RYR1 (ryanodine receptor 1; plus strand). Cytogenetic location: 19q13.2.
Variant type: single nucleotide variant.
Coding change: c.10291G>A on transcript NM_000540.3 (MANE Select); coding-DNA position 10291, G replaced by A.
Protein change: p.Ala3431Thr; replaces alanine 3431 with threonine.
Molecular consequence: missense variant.
Genome position (GRCh38, 1-based): chr19:38,523,059, G>A. VCF-style: chr19-38523059-G-A. GRCh37 (hg19) VCF-style: chr19-39013699-G-A.
Other names: c.10291G>A, p.Ala3431Thr (NM_001042723.2); short protein forms A3431T.
Identifiers: ClinVar variation 478150 (VCV000478150.10), dbSNP rs553113819, ClinGen allele CA053033.

ClinVar aggregate classification (germline): Uncertain significance. Review status: criteria provided, multiple submitters, no conflicts (2 of 4 stars). 3 submissions from 3 submitters: Uncertain significance (3). Last evaluated 2025-10-30.

Conditions:
RYR1-related disorder. Also called: RYR1-related condition; RYR1-related disorders. Identifiers: MedGen CN239331.
Malignant hyperthermia, susceptibility to, 1 (MHS1). Also called: Anesthesia related hyperthermia; Malignant hyperpyrexia; Fulminating hyperpyrexia; Pharmacogenic myopathy; Malignant hyperthermia suceptibility 1; RYR1-Related Malignant Hyperthermia Susceptibility. Identifiers: Orphanet 423, MedGen C2930980, MONDO:0007783, OMIM 145600.

Allele frequency attached by ClinVar (database versions not stated): TOPMed 0.00002; gnomAD 0.00003; gnomAD exomes 0.00004; ExAC 0.00005; 1000 Genomes Project 0.00020; 1000 Genomes Project 30x 0.00031.
gnomAD v4.1: 66 of 1,609,808 alleles (0.0041%); highest among the groups gnomAD compares: South Asian, 0.0088%; no homozygotes.

Submissions (3):

Color Diagnostics, LLC DBA Color Health
Classification: Uncertain significance for Malignant hyperthermia, susceptibility to, 1. Last evaluated: 2025-10-30. Review status: criteria provided, single submitter. Criteria: ACMG Guidelines, 2015. Collection method: clinical testing. Allele origin: germline.
Comment: This missense variant replaces alanine with threonine at codon 3431 of the RYR1 protein. Computational prediction is inconclusive regarding the impact of this variant on protein structure and function. To our knowledge, functional studies have not been reported for this variant. This variant has not been reported in individuals affected with RYR1-related disorders in the literature. This variant has been identified in 10/275126 chromosomes in the general population by the Genome Aggregation Database (gnomAD). The available evidence is insufficient to determine the role of this variant in disease conclusively. Therefore, this variant is classified as a Variant of Uncertain Significance.

GeneDx
Classification: Uncertain significance. Last evaluated: 2024-10-09. Review status: criteria provided, single submitter. Criteria: GeneDx Variant Classification Process June 2021. Collection method: clinical testing. Allele origin: germline. Affected: yes.
Comment: Not observed at significant frequency in large population cohorts (gnomAD); In silico analysis supports that this missense variant has a deleterious effect on protein structure/function; Has not been previously published as pathogenic or benign to our knowledge

Labcorp Genetics (formerly Invitae), Labcorp
Classification: Uncertain significance for RYR1-related disorder. Last evaluated: 2024-04-20. Review status: criteria provided, single submitter. Criteria: Invitae Variant Classification Sherloc (09022015). Collection method: clinical testing. Allele origin: germline.
Comment: This sequence change replaces alanine, which is neutral and non-polar, with threonine, which is neutral and polar, at codon 3431 of the RYR1 protein (p.Ala3431Thr). This variant is present in population databases (rs553113819, gnomAD 0.01%). This variant has not been reported in the literature in individuals affected with RYR1-related conditions. ClinVar contains an entry for this variant (Variation ID: 478150). Advanced modeling of protein sequence and biophysical properties (such as structural, functional, and spatial information, amino acid conservation, physicochemical variation, residue mobility, and thermodynamic stability) has been performed at Invitae for this missense variant, however the output from this modeling did not meet the statistical confidence thresholds required to predict the impact of this variant on RYR1 protein function. In summary, the available evidence is currently insufficient to determine the role of this variant in disease. Therefore, it has been classified as a Variant of Uncertain Significance.